The following is an entry in ClinVar:

NM_000321.3(RB1):c.2212-13T>C

Gene: RB1 (RB transcriptional corepressor 1; plus strand). Cytogenetic location: 13q14.2.
Variant type: single nucleotide variant.
Coding change: c.2212-13T>C on transcript NM_000321.3 (MANE Select); 13 bases into the intron before coding-DNA position 2212, T replaced by C.
Molecular consequence: intron variant.
Genome position (GRCh38, 1-based): chr13:48,464,985, T>C. VCF-style: chr13-48464985-T-C. GRCh37 (hg19) VCF-style: chr13-49039121-T-C.
Other names: c.2212-13T>C (NM_001407165.1).
Identifiers: ClinVar variation 3074980 (VCV003074980.3), dbSNP rs2138344431, ClinGen allele CA2622985669.

ClinVar aggregate classification (germline): Likely benign. Review status: criteria provided, multiple submitters, no conflicts (2 of 4 stars). 2 submissions from 2 submitters: Likely benign (2). Last evaluated 2024-08-21.

Conditions:
Retinoblastoma (RB1). Also called: RETINOBLASTOMA, SOMATIC. Identifiers: Orphanet 790, MedGen C0035335, MeSH D012175, MONDO:0008380, OMIM 180200, HP:0009919. Disease mechanism: loss of function. Inheritance: Both sporadic and heritable forms are tested..

Allele frequency attached by ClinVar (database versions not stated): gnomAD exomes below 0.00001.
gnomAD v4.1: 4 of 1,213,674 alleles (0.00033%); highest among the groups gnomAD compares: Non-Finnish European, 0.00046%; no homozygotes.

Submissions (2):

Labcorp Genetics (formerly Invitae), Labcorp
Classification: Likely benign for Retinoblastoma. Last evaluated: 2024-08-21. Review status: criteria provided, single submitter. Criteria: Invitae Variant Classification Sherloc (09022015). Collection method: clinical testing. Allele origin: germline.

All of Us Research Program, National Institutes of Health
Classification: Likely benign for Retinoblastoma. Last evaluated: 2023-12-13. Review status: criteria provided, single submitter. Criteria: ACMG Guidelines, 2015. Collection method: clinical testing. Allele origin: germline. Inheritance: Autosomal dominant inheritance. Observed: 1 variant allele, 1 heterozygote.
Comment: This study involves interpretation of variants in research participants for the purpose of population health screening. Participant phenotype was not available at the time of variant classification. Additional details can be found in publication PMID: 35346344, PMCID: PMC8962531